The following is an entry in ClinVar:

ClinVar aggregate classification (germline): Conflicting classifications of pathogenicity. Review status: criteria provided, conflicting classifications (1 of 4 stars). 8 submissions from 8 submitters: Uncertain significance (5); Likely benign (3). Last evaluated 2026-07-01.

Conditions:
Hereditary cancer-predisposing syndrome. Also called: Hereditary neoplastic syndrome; Tumor predisposition; Neoplastic Syndromes, Hereditary; Hereditary Cancer Syndrome. Identifiers: Orphanet 140162, MedGen C0027672, MeSH D009386, MONDO:0015356.
BAP1-related tumor predisposition syndrome (TPDS1). Also called: TUMOR PREDISPOSITION SYNDROME 1; Tumor susceptibility linked to germline BAP1 mutations; BAP1 tumor predisposition syndrome; COMMON Syndrome. Identifiers: Orphanet 289539, MedGen C3280492, MONDO:0013692, OMIM 614327.

Allele frequency attached by ClinVar (database versions not stated): ExAC 0.00006; gnomAD 0.00006 and 0.00007; gnomAD exomes 0.00007; TOPMed 0.00007; ESP Exome Variant Server 0.00008; 1000 Genomes Project 30x 0.00016; 1000 Genomes Project 0.00020.
gnomAD v4.1: 108 of 1,614,172 alleles (0.0067%); highest among the groups gnomAD compares: Admixed American, 0.01%; no homozygotes.

Submissions (8):

CeGaT Center for Human Genetics Tuebingen
Classification: Likely benign. Last evaluated: 2026-07-01. Review status: criteria provided, single submitter. Criteria: CeGaT Center For Human Genetics Tuebingen Variant Classification Criteria Version 2. Collection method: clinical testing. Allele origin: germline. Affected: yes. Observed: 1 variant allele.
Comment: BAP1: BP4

St. Jude Molecular Pathology, St. Jude Children's Research Hospital
Classification: Uncertain significance for BAP1-related tumor predisposition syndrome. Last evaluated: 2026-02-11. Review status: criteria provided, single submitter. Criteria: St. Jude Assertion Criteria 2020. Collection method: clinical testing. Allele origin: germline.
Comment: The BAP1 c.1781G>C p.(Gly594Ala) missense change has a maximum subpopulation frequency of 0.01% in gnomAD v2.1.1. The in silico tool REVEL predicts a benign effect on protein function, but to our knowledge this prediction has not been confirmed by functional studies. To our knowledge, this variant has not been reported in the literature in individuals with BAP1-related tumor predisposition syndrome. In summary, the evidence currently available is insufficient to determine the clinical significance of this variant. It has therefore been classified as of uncertain significance.

Labcorp Genetics (formerly Invitae), Labcorp
Classification: Uncertain significance for BAP1-related tumor predisposition syndrome. Last evaluated: 2026-02-03. Review status: criteria provided, single submitter. Criteria: Invitae Variant Classification Sherloc (09022015). Collection method: clinical testing. Allele origin: germline.
Comment: This sequence change replaces glycine, which is neutral and non-polar, with alanine, which is neutral and non-polar, at codon 594 of the BAP1 protein (p.Gly594Ala). This variant is present in population databases (rs144172190, gnomAD 0.01%). This variant has not been reported in the literature in individuals affected with BAP1-related conditions. ClinVar contains an entry for this variant (Variation ID: 472678). Invitae Evidence Modeling of protein sequence and biophysical properties (such as structural, functional, and spatial information, amino acid conservation, physicochemical variation, residue mobility, and thermodynamic stability) indicates that this missense variant is not expected to disrupt BAP1 protein function with a negative predictive value of 80%. In summary, the available evidence is currently insufficient to determine the role of this variant in disease. Therefore, it has been classified as a Variant of Uncertain Significance.

Color Diagnostics, LLC DBA Color Health
Classification: Uncertain significance for Hereditary cancer-predisposing syndrome. Last evaluated: 2025-01-07. Review status: criteria provided, single submitter. Criteria: ACMG Guidelines, 2015. Collection method: clinical testing. Allele origin: germline.
Comment: This missense variant replaces glycine with alanine at codon 594 of the BAP1 protein. Computational prediction suggests that this variant may not impact protein structure and function. To our knowledge, functional studies have not been reported for this variant. This variant has not been reported in individuals affected with BAP1-related disorders in the literature. This variant has been identified in 18/251384 chromosomes in the general population by the Genome Aggregation Database (gnomAD). The available evidence is insufficient to determine the role of this variant in disease conclusively. Therefore, this variant is classified as a Variant of Uncertain Significance.

Myriad Genetics, Inc.
Classification: Likely benign for BAP1-related tumor predisposition syndrome. Last evaluated: 2024-07-17. Review status: criteria provided, single submitter. Criteria: Myriad Autosomal Dominant, Autosomal Recessive and X-Linked Classification Criteria (2023). Collection method: clinical testing. Allele origin: unknown.
Comment: This variant is considered likely benign. This variant has been observed at a population frequency that is significantly greater than expected given the associated disease prevalence and penetrance.

Quest Diagnostics Nichols Institute San Juan Capistrano
Classification: Uncertain significance. Last evaluated: 2024-02-14. Review status: criteria provided, single submitter. Criteria: Quest Diagnostics criteria. Collection method: clinical testing. Allele origin: unknown.
Comment: The BAP1 c.1781G>C (p.Gly594Ala) variant has not been reported in individuals with BAP1-related conditions in the published literature. The frequency of this variant in the general population, 0.00012 (2/16252 chromosomes (Genome Aggregation Database)), is uninformative in the assessment of its pathogenicity. Analysis of this variant using bioinformatics tools for the prediction of the effect of amino acid changes on protein structure and function yielded predictions that this variant is benign. Based on the available information, we are unable to determine the clinical significance of this variant.

GeneDx
Classification: Uncertain significance. Last evaluated: 2021-11-16. Review status: criteria provided, single submitter. Criteria: GeneDx Variant Classification Process June 2021. Collection method: clinical testing. Allele origin: germline. Affected: yes.
Comment: In silico analysis supports that this missense variant does not alter protein structure/function; Has not been previously published as pathogenic or benign to our knowledge

Ambry Genetics
Classification: Likely benign for Hereditary cancer-predisposing syndrome. Last evaluated: 2020-11-25. Review status: criteria provided, single submitter. Criteria: Ambry Variant Classification Scheme 2023. Collection method: clinical testing. Allele origin: germline.

Literature cited by the submitters: PubMed 26452128 (cited by Quest Diagnostics Nichols Institute San Juan Capistrano and Ambry Genetics).

NM_004656.4(BAP1):c.1781G>C (p.Gly594Ala)

Gene: BAP1 (BRCA1 associated deubiquitinase 1; minus strand). Cytogenetic location: 3p21.1.
Variant type: single nucleotide variant.
Coding change: c.1781G>C on transcript NM_004656.4 (MANE Select); coding-DNA position 1781, G replaced by C.
Protein change: p.Gly594Ala; replaces glycine 594 with alanine.
Molecular consequence: missense variant.
Genome position (GRCh38, 1-based): chr3:52,403,247, C>G on the plus strand (G>C on the coding strand, the complement: BAP1 is on the minus strand). VCF-style: chr3-52403247-C-G. GRCh37 (hg19) VCF-style: chr3-52437263-C-G.
Other names: c.1781G>C (LRG_529t1); short protein forms G594A.
Identifiers: ClinVar variation 472678 (VCV000472678.28), dbSNP rs144172190, ClinGen allele CA2436718.